The following is an entry in ClinVar:

ClinVar aggregate classification (germline): Conflicting classifications of pathogenicity. Review status: criteria provided, conflicting classifications (1 of 4 stars). 2 submissions from 2 submitters: Uncertain significance (1); Likely benign (1). Last evaluated 2026-02-09.

Conditions:
Costello syndrome (CSTLO). Also called: FACIOCUTANEOSKELETAL SYNDROME; FCS SYNDROME; HRAS-Related Costello Syndrome. Identifiers: Orphanet 3071, MedGen C0587248, MONDO:0009026, OMIM 218040.

Submissions (2):

Centre for Medical Genetics,  Mumbai
Classification: Likely benign for Costello syndrome. Last evaluated: 2026-02-09. Review status: criteria provided, single submitter. Criteria: ACMG Guidelines, 2015. Collection method: provider interpretation. Allele origin: germline. Inheritance: Autosomal dominant inheritance. Affected: no. Observed: 1 heterozygote.
Comment: The variant satisfies PM2 criteria; Extremely low frequency in gnomAD population databases. The variant satisfies PP2 criteria; Missense variant in a gene with low rate of benign missense mutations and for which missense mutation is a common mechanism of a disease. However, the variant satisfies BS2 criteria.

Labcorp Genetics (formerly Invitae), Labcorp
Classification: Uncertain significance for Costello syndrome. Last evaluated: 2025-12-09. Review status: criteria provided, single submitter. Criteria: Invitae Variant Classification Sherloc (09022015). Collection method: clinical testing. Allele origin: germline.
Comment: This sequence change replaces arginine, which is basic and polar, with glutamine, which is neutral and polar, at codon 41 of the HRAS protein (p.Arg41Gln). This variant is not present in population databases (gnomAD no frequency). This variant has not been reported in the literature in individuals affected with HRAS-related conditions. ClinVar contains an entry for this variant (Variation ID: 2763385). Invitae Evidence Modeling of protein sequence and biophysical properties (such as structural, functional, and spatial information, amino acid conservation, physicochemical variation, residue mobility, and thermodynamic stability) has been performed for this missense variant. However, the output from this modeling did not meet the statistical confidence thresholds required to predict the impact of this variant on HRAS protein function. In summary, the available evidence is currently insufficient to determine the role of this variant in disease. Therefore, it has been classified as a Variant of Uncertain Significance.

Literature cited by the submitters: PubMed 16329078 (cited by Centre for Medical Genetics,  Mumbai).

NM_005343.4(HRAS):c.122G>A (p.Arg41Gln)

Genes: HRAS (HRas proto-oncogene, GTPase; minus strand), LRRC56 (leucine rich repeat containing 56; plus strand). Cytogenetic location: 11p15.5.
Variant type: single nucleotide variant.
Coding change: c.122G>A on transcript NM_005343.4 (MANE Select); coding-DNA position 122, G replaced by A.
Protein change: p.Arg41Gln; replaces arginine 41 with glutamine.
Molecular consequence: missense variant. On other transcripts: 5 prime UTR variant (1).
Genome position (GRCh38, 1-based): chr11:533,934, C>T on the plus strand (G>A on the coding strand, the complement: HRAS is on the minus strand). VCF-style: chr11-533934-C-T. GRCh37 (hg19) VCF-style: chr11-533934-C-T.
Other names: c.122G>A, p.Arg41Gln (NM_001130442.3, NM_176795.5); c.-198G>A (NM_001318054.2); short protein forms R41Q.
Identifiers: ClinVar variation 2763385 (VCV002763385.4), dbSNP rs868439179, ClinGen allele CA378924802.